The following is an entry in ClinVar:

ClinVar aggregate classification (germline): Likely pathogenic (1 of 4 stars; one submission).

Conditions:
Autosomal recessive limb-girdle muscular dystrophy type 2B (LGMDR2). Also called: MUSCULAR DYSTROPHY, LIMB-GIRDLE, TYPE 3; MUSCULAR DYSTROPHY, LIMB-GIRDLE, AUTOSOMAL RECESSIVE 2; Limb-Girdle Muscular Dystrophy Type 2B (LGMD2B); Limb-girdle muscular dystrophy, type 2B. Identifiers: Orphanet 268, MedGen C1850889, MONDO:0009676, OMIM 253601.

Submission:

Natera, Inc.
Classification: Likely pathogenic for Limb-girdle muscular dystrophy type 2B. Last evaluated: 2024-08-02. Review status: criteria provided, single submitter. Criteria: Natera Variant Classification Schema (03/2026). Collection method: clinical testing. Allele origin: germline.
Comment: The c.3658C>T variant in DYSF is a nonsense variant predicted to introduce a stop codon at amino acid 1220. This variant is expected to result in nonsense mediated decay, truncation, or a dysfunctional protein product. This variant is rare in the general population with a frequency below the threshold expected for the associated phenotype(s). Given the available evidence, this variant is classified as Likely Pathogenic.

NM_001130987.2(DYSF):c.3712C>T (p.Gln1238Ter)

Gene: DYSF (dysferlin; plus strand). Cytogenetic location: 2p13.2.
Variant type: single nucleotide variant.
Coding change: c.3712C>T on transcript NM_001130987.2 (MANE Select); coding-DNA position 3712, C replaced by T.
Protein change: p.Gln1238Ter; replaces glutamine 1238 with a stop codon.
Molecular consequence: nonsense.
Genome position (GRCh38, 1-based): chr2:71,598,701, C>T. VCF-style: chr2-71598701-C-T. GRCh37 (hg19) VCF-style: chr2-71825831-C-T.
Other names: c.3661C>T, p.Gln1221Ter (NM_001130455.2, NM_001130983.2); c.3616C>T, p.Gln1206Ter (NM_001130976.2, NM_001130977.2); c.3658C>T, p.Gln1220Ter (NM_001130978.2, NM_003494.4); c.3751C>T, p.Gln1251Ter (NM_001130979.2); c.3709C>T, p.Gln1237Ter (NM_001130980.2, NM_001130981.2); c.3754C>T, p.Gln1252Ter (NM_001130982.2); c.3619C>T, p.Gln1207Ter (NM_001130984.2, NM_001130986.2); c.3712C>T, p.Gln1238Ter (NM_001130985.2); short protein forms Q1206*, Q1207*, Q1220*, Q1221*, Q1237*, Q1238*, Q1251*, Q1252*.
Identifiers: ClinVar variation 4815142 (VCV004815142.1).